The following is an entry in ClinVar:

NM_022114.4(PRDM16):c.1721G>A (p.Gly574Glu)

Gene: PRDM16 (PR/SET domain 16; plus strand). Cytogenetic location: 1p36.32.
Variant type: single nucleotide variant.
Coding change: c.1721G>A on transcript NM_022114.4 (MANE Select); coding-DNA position 1721, G replaced by A.
Protein change: p.Gly574Glu; replaces glycine 574 with glutamic acid.
Molecular consequence: missense variant.
Genome position (GRCh38, 1-based): chr1:3,411,918, G>A. VCF-style: chr1-3411918-G-A. GRCh37 (hg19) VCF-style: chr1-3328482-G-A.
Other names: c.1721G>A, p.Gly574Glu (NM_199454.3); short protein forms G574E.
Identifiers: ClinVar variation 4762011 (VCV004762011.1).
Genomic context (GRCh38, chr1:3,411,918, plus strand): 5'-CAGCCCTGCCCCTGGTCTCCGCCGTCAGCAACAGCAGCCAGGGCACGACGGCAGCTGCGG[G>A]GCCCGAGGAGAAGTTCGAGAGCCGCCTGGAGGACTCCTGTGTGGAGAAGCTGAAGACCAG-3'
Protein context (NP_071397.3, residues 564-584): NSSQGTTAAA[Gly574Glu]PEEKFESRLE

ClinVar aggregate classification (germline): Uncertain significance (1 of 4 stars; one submission).

Conditions:
Left ventricular noncompaction 8 (LVNC8). Identifiers: Orphanet 154, Orphanet 54260, MedGen C3809288, MONDO:0014152, OMIM 615373.

Submission:

Labcorp Genetics (formerly Invitae), Labcorp
Classification: Uncertain significance for Left ventricular noncompaction 8. Last evaluated: 2025-11-09. Review status: criteria provided, single submitter. Criteria: Invitae Variant Classification Sherloc (09022015). Collection method: clinical testing. Allele origin: germline.
Comment: This sequence change replaces glycine, which is neutral and non-polar, with glutamic acid, which is acidic and polar, at codon 574 of the PRDM16 protein (p.Gly574Glu). This variant is not present in population databases (gnomAD no frequency). This variant has not been reported in the literature in individuals affected with PRDM16-related conditions. An algorithm developed to predict the effect of missense changes on protein structure and function (PolyPhen-2) suggests that this variant is likely to be disruptive. In summary, the available evidence is currently insufficient to determine the role of this variant in disease. Therefore, it has been classified as a Variant of Uncertain Significance.